The following is an entry in ClinVar:

ClinVar aggregate classification (germline): Pathogenic (0 of 4 stars; one submission).

Conditions:
Steinert myotonic dystrophy syndrome (DM1). Also called: STEINERT DISEASE; Myotonic dystrophy type 1; Dystrophia myotonica type 1; Steinert myotonic dystrophy; Steinert's disease. Identifiers: Orphanet 273, MedGen C3250443, MONDO:0008056, OMIM 160900.

Submission:

Institute of Molecular, Cell and Systems Biology, University of Glasgow
Classification: Pathogenic for Steinert myotonic dystrophy syndrome. Review status: no assertion criteria provided. Criteria: research. Collection method: research. Allele origin: germline. Inheritance: Autosomal dominant inheritance. Affected: yes. Observed: 1 heterozygote.
Comment: DMPK CTG repeat expansions greater than approximately 45-50 repeats are assumed to be pathogenic

This record is based on data published in PubMed 25052313, which reports only ClinVar accessions SCV000120188 and SCV000120189. The complete data set includes SCV000207445 - SCV000207579.

Literature cited by the submitters: PubMed 1346923; PubMed 1546326; PubMed 25052313.

NM_004409.5(DMPK):c.*224CTG[1236]

Genes: DM1-AS (DM1 locus antisense RNA; plus strand), DMPK (DM1 protein kinase; minus strand), LOC107075317 (origin of replication in DMPK trinucleotide repeat region; plus strand), LOC109461477 (dystrophia myotonica protein kinase repeat instability region; plus strand). Cytogenetic location: 19q13.32.
Variant type: Microsatellite.
Coding change: c.*224CTG[1236] on transcript NM_004409.5 (MANE Select); 1,236 copies in a row of the 3-base unit CTG starting at c.*224.
Molecular consequence: 3 prime UTR variant.
Genome position: GRCh38, VCF-style position (the base before the change): chr19:45,770,204. GRCh37 (hg19), VCF-style position (the base before the change): chr19:46,273,462.
Other names: DM1 CTG repeat expansion; c.*222_*224TGC[1236] (NM_001081563.3); c.*224CTG[1236] (NM_001288764.2, NM_001081560.3, NM_001424165.1 and 1 more transcripts); c.*217CTG[1236] (NM_001288765.2, NM_001424162.1, NM_001424163.1 and 2 more transcripts); c.*369CTG[1236] (NM_001288766.2, NM_001424164.1, NM_001424168.1).
Identifiers: ClinVar variation 187916 (VCV000187916.1), ClinGen allele CA915951711.